The following is an entry in ClinVar:

NM_000138.5(FBN1):c.7684G>T (p.Gly2562Cys)

Gene: FBN1 (fibrillin 1; minus strand). Cytogenetic location: 15q21.1.
Variant type: single nucleotide variant.
Coding change: c.7684G>T on transcript NM_000138.5 (MANE Select); coding-DNA position 7684, G replaced by T.
Protein change: p.Gly2562Cys; replaces glycine 2562 with cysteine.
Molecular consequence: missense variant.
Genome position (GRCh38, 1-based): chr15:48,421,573, C>A on the plus strand (G>T on the coding strand, the complement: FBN1 is on the minus strand). VCF-style: chr15-48421573-C-A. GRCh37 (hg19) VCF-style: chr15-48713770-C-A.
Other names: c.7684G>T, p.Gly2562Cys (NM_001406716.1); short protein forms G2562C.
Identifiers: ClinVar variation 1760126 (VCV001760126.3), dbSNP rs1397580172, ClinGen allele CA392324968.

ClinVar aggregate classification (germline): Likely pathogenic (1 of 4 stars; one submission).

Conditions:
Familial thoracic aortic aneurysm and aortic dissection (TAAD). Also called: Thoracic aortic aneurysms and dissections. Identifiers: Orphanet 91387, MedGen C4707243, MONDO:0019625.

gnomAD v4.1: 1 of 1,613,030 alleles (0.000062%); highest among the groups gnomAD compares: Non-Finnish European, 0.000085%; no homozygotes.

Submission:

Ambry Genetics
Classification: Likely pathogenic for Familial thoracic aortic aneurysm and aortic dissection. Last evaluated: 2025-12-03. Review status: criteria provided, single submitter. Criteria: Ambry Variant Classification Scheme 2023. Collection method: clinical testing. Allele origin: germline.
Comment: The p.G2562C variant (also known as c.7684G>T), located in coding exon 61 of the FBN1 gene, results from a G to T substitution at nucleotide position 7684. The glycine at codon 2562 is replaced by cysteine, an amino acid with highly dissimilar properties, and is located in the cbEGF-like #40 domain. The majority of FBN1 mutations identified to date have involved the substitution or generation of cysteine residues within cbEGF domains (Vollbrandt T et al. J Biol Chem. 2004;279(31):32924-32931). This variant has been observed in individuals with features consistent with Marfan syndrome and related fibrillinopathies (Internal Ambry data). This amino acid position is highly conserved in available vertebrate species. In addition, this alteration is predicted to be deleterious by in silico analysis. Based on the majority of available evidence to date, this variant is likely to be pathogenic.